The following is an entry in ClinVar:

NM_025074.7(FRAS1):c.4257A>G (p.Val1419=)

Gene: FRAS1 (Fraser extracellular matrix complex subunit 1; plus strand). Cytogenetic location: 4q21.21.
Variant type: single nucleotide variant.
Coding change: c.4257A>G on transcript NM_025074.7 (MANE Select); coding-DNA position 4257, A replaced by G.
Protein change: p.Val1419=; no amino-acid change (valine 1419 retained).
Molecular consequence: synonymous variant.
Genome position (GRCh38, 1-based): chr4:78,407,790, A>G. VCF-style: chr4-78407790-A-G. GRCh37 (hg19) VCF-style: chr4-79328944-A-G.
Other names: c.4257A>G, p.Val1419= (NM_001166133.2).
Identifiers: ClinVar variation 2031719 (VCV002031719.11), dbSNP rs115193980, ClinGen allele CA2977138.
Genomic context (GRCh38, chr4:78,407,790, plus strand): 5'-TGGGAGGACAGCTACCCCCACCAGCACCTTCACCCAGCAGGACATCAATGAAGGCATCGT[A>G]TGGTACAGGCACTCAGGAGCCCCAGCCCAGAGCGACTCCTTCCGCTTCGAGGTACCCTCT-3'
Protein context (NP_079350.5, residues 1409-1429): FTQQDINEGI[Val1419=]WYRHSGAPAQ

ClinVar aggregate classification (germline): Likely benign. Review status: criteria provided, multiple submitters, no conflicts (2 of 4 stars). 3 submissions from 3 submitters: Likely benign (3). Last evaluated 2026-01-12.

Allele frequency attached by ClinVar (database versions not stated): 1000 Genomes Project 0.00020; ExAC 0.00023; ESP Exome Variant Server 0.00024; gnomAD 0.00026; TOPMed 0.00029; 1000 Genomes Project 30x 0.00031; gnomAD exomes 0.00050.
gnomAD v4.1: 773 of 1,613,828 alleles (0.048%); highest among the groups gnomAD compares: Non-Finnish European, 0.062%; no homozygotes.

Submissions (3):

Labcorp Genetics (formerly Invitae), Labcorp
Classification: Likely benign. Last evaluated: 2026-01-12. Review status: criteria provided, single submitter. Criteria: Invitae Variant Classification Sherloc (09022015). Collection method: clinical testing. Allele origin: germline.

CeGaT Center for Human Genetics Tuebingen
Classification: Likely benign. Last evaluated: 2025-10-01. Review status: criteria provided, single submitter. Criteria: CeGaT Center For Human Genetics Tuebingen Variant Classification Criteria Version 2. Collection method: clinical testing. Allele origin: germline. Affected: yes. Observed: 1 variant allele.
Comment: FRAS1: BP4, BP7

Blueprint Genetics
Classification: Likely benign. Last evaluated: 2024-09-02. Review status: criteria provided, single submitter. Criteria: ACMG Guidelines, 2015. Collection method: clinical testing. Allele origin: germline.